The following is an entry in ClinVar:

ClinVar aggregate classification (germline): Conflicting classifications of pathogenicity. Review status: criteria provided, conflicting classifications (1 of 4 stars). 2 submissions from 2 submitters: Likely pathogenic (1); Uncertain significance (1). Last evaluated 2023-04-10.

Conditions:
Usher syndrome type 3B. Also called: USHER SYNDROME, TYPE IIIB. Identifiers: MedGen C3281066, MONDO:0013788, OMIM 614504.

Submissions (2):

GeneDx
Classification: Likely pathogenic. Last evaluated: 2023-04-10. Review status: criteria provided, single submitter. Criteria: GeneDx Variant Classification Process June 2021. Collection method: clinical testing. Allele origin: germline. Affected: yes.
Comment: Not observed in large population cohorts (gnomAD); In-frame deletion of 3 amino acids and insertion of 2 amino acids in a non-repeat region; In silico analysis supports a deleterious effect on protein structure/function; Has not been previously published as pathogenic or benign to our knowledge

Labcorp Genetics (formerly Invitae), Labcorp
Classification: Uncertain significance for Usher syndrome type 3B. Last evaluated: 2022-11-01. Review status: criteria provided, single submitter. Criteria: Invitae Variant Classification Sherloc (09022015). Collection method: clinical testing. Allele origin: germline.
Comment: This variant, c.192_198delinsACTG, is a complex sequence change that results in the deletion of 3 and insertion of 2 amino acid(s) in the HARS protein (p.Asp64_Ser66delinsGluLeu). In summary, the available evidence is currently insufficient to determine the role of this variant in disease. Therefore, it has been classified as a Variant of Uncertain Significance. Experimental studies and prediction algorithms are not available or were not evaluated, and the functional significance of this variant is currently unknown. This variant has not been reported in the literature in individuals affected with HARS-related conditions. Information on the frequency of this variant in the gnomAD database is not available, as this variant may be reported differently in the database.

NM_002109.6(HARS1):c.192_198delinsACTG (p.Asp64_Ser66delinsGluLeu)

Gene: HARS1 (histidyl-tRNA synthetase 1; minus strand). Cytogenetic location: 5q31.3.
Variant type: Indel.
Coding change: c.192_198delinsACTG on transcript NM_002109.6 (MANE Select); coding-DNA positions 192 to 198, CTATAGT replaced by ACTG.
Protein change: p.Asp64_Ser66delinsGluLeu.
Molecular consequence: inframe indel. On other transcripts: intron variant (3).
Genome position (GRCh38, 1-based): chr5:140,683,202-140,683,208, ACTATAG replaced by CAGT on the plus strand (CTATAGT replaced by ACTG on the coding strand, the reverse complement: HARS1 is on the minus strand). VCF-style: chr5-140683202-ACTATAG-CAGT. GRCh37 (hg19) VCF-style: chr5-140062787-ACTATAG-CAGT.
Other names: c.192_198delinsACTG, p.Asp64_Ser66delinsGluLeu (NM_001258041.3, NM_001289092.2); c.105_111delinsACTG, p.Asp35_Ser37delinsGluLeu (NM_001289094.2); c.181-5193_181-5187delinsACTG (NM_001289093.2); c.181-3325_181-3319delinsACTG (NM_001258042.3, NM_001258040.3).
Identifiers: ClinVar variation 1704893 (VCV001704893.6), dbSNP rs2481291540, ClinGen allele CA2580072977.